The following is an entry in ClinVar:

ClinVar aggregate classification (germline): Uncertain significance (1 of 4 stars; one submission).

Conditions:
Hereditary cancer-predisposing syndrome. Also called: Neoplastic Syndromes, Hereditary; Tumor predisposition; Hereditary Cancer Syndrome; Hereditary neoplastic syndrome. Identifiers: Orphanet 140162, MedGen C0027672, MeSH D009386, MONDO:0015356.

Submission:

Ambry Genetics
Classification: Uncertain significance for Hereditary cancer-predisposing syndrome. Last evaluated: 2024-12-03. Review status: criteria provided, single submitter. Criteria: Ambry Variant Classification Scheme 2023. Collection method: clinical testing. Allele origin: germline.
Comment: The p.T189A variant (also known as c.565A>G), located in coding exon 6 of the NF2 gene, results from an A to G substitution at nucleotide position 565. The threonine at codon 189 is replaced by alanine, an amino acid with similar properties. This amino acid position is highly conserved in available vertebrate species. In addition, the in silico prediction for this alteration is inconclusive. Based on the available evidence, the clinical significance of this variant remains unclear.

NM_000268.4(NF2):c.565A>G (p.Thr189Ala)

Gene: NF2 (NF2, moesin-ezrin-radixin like (MERLIN) tumor suppressor; plus strand). Cytogenetic location: 22q12.2.
Variant type: single nucleotide variant.
Coding change: c.565A>G on transcript NM_000268.4 (MANE Select); coding-DNA position 565, A replaced by G.
Protein change: p.Thr189Ala; replaces threonine 189 with alanine.
Molecular consequence: missense variant. On other transcripts: intron variant (1).
Genome position (GRCh38, 1-based): chr22:29,655,642, A>G. VCF-style: chr22-29655642-A-G. GRCh37 (hg19) VCF-style: chr22-30051631-A-G.
Other names: c.451A>G, p.Thr151Ala (NM_001407053.1, NM_001407056.1); c.442A>G, p.Thr148Ala (NM_001407054.1, NM_001407058.1, NM_001407062.1 and 1 more transcripts); c.439A>G, p.Thr147Ala (NM_001407055.1, NM_181828.3); c.565A>G, p.Thr189Ala (NM_001407057.1, NM_001407059.1, NM_001407060.1 and 4 more transcripts); c.316A>G, p.Thr106Ala (NM_001407063.1, NM_001407064.1, NM_181830.3 and 1 more transcripts); c.31A>G, p.Thr11Ala (NM_001407065.1); c.334A>G, p.Thr112Ala (NM_001407067.1); c.447+13357A>G (NM_181833.3); short protein forms T148A, T151A, T112A, T147A, T11A, T106A, T189A.
Identifiers: ClinVar variation 3405029 (VCV003405029.1).
Genomic context (GRCh38, chr22:29,655,642, plus strand): 5'-ATTTTTTGGTAGGTAATAAATCTGTATCAGATGACTCCGGAAATGTGGGAGGAGAGAATT[A>G]CTGCTTGGTACGCAGAGCACCGAGGCCGAGCCAGGTGAGGCCCATTCATTGTTGGTTTAC-3'
Protein context (NP_000259.1, residues 179-199): MTPEMWEERI[Thr189Ala]AWYAEHRGRA